The following is an entry in ClinVar:

ClinVar aggregate classification (germline): Uncertain significance (1 of 4 stars; one submission).

Allele frequency attached by ClinVar (database versions not stated): ExAC 0.00005.

Submission:

Labcorp Genetics (formerly Invitae), Labcorp
Classification: Uncertain significance. Last evaluated: 2023-10-13. Review status: criteria provided, single submitter. Criteria: Invitae Variant Classification Sherloc (09022015). Collection method: clinical testing. Allele origin: germline.
Comment: This sequence change replaces isoleucine, which is neutral and non-polar, with threonine, which is neutral and polar, at codon 53 of the TGFB1 protein (p.Ile53Thr). The frequency data for this variant in the population databases is considered unreliable, as metrics indicate poor data quality at this position in the gnomAD database. This variant has not been reported in the literature in individuals affected with TGFB1-related conditions. Advanced modeling of protein sequence and biophysical properties (such as structural, functional, and spatial information, amino acid conservation, physicochemical variation, residue mobility, and thermodynamic stability) has been performed at Invitae for this missense variant, however the output from this modeling did not meet the statistical confidence thresholds required to predict the impact of this variant on TGFB1 protein function. In summary, the available evidence is currently insufficient to determine the role of this variant in disease. Therefore, it has been classified as a Variant of Uncertain Significance.

NM_000660.7(TGFB1):c.158T>C (p.Ile53Thr)

Genes: TGFB1 (transforming growth factor beta 1; minus strand), LOC130064510 (ATAC-STARR-seq lymphoblastoid silent region 10661; plus strand). Cytogenetic location: 19q13.2.
Variant type: single nucleotide variant.
Coding change: c.158T>C on transcript NM_000660.7 (MANE Select); coding-DNA position 158, T replaced by C.
Protein change: p.Ile53Thr; replaces isoleucine 53 with threonine.
Molecular consequence: missense variant.
Genome position (GRCh38, 1-based): chr19:41,352,887, A>G on the plus strand (T>C on the coding strand, the complement: TGFB1 is on the minus strand). VCF-style: chr19-41352887-A-G. GRCh37 (hg19) VCF-style: chr19-41858792-A-G.
Other names: short protein forms I53T.
Identifiers: ClinVar variation 2768144 (VCV002768144.3), dbSNP rs777118195, ClinGen allele CA9460168.